The following is an entry in ClinVar:

NM_002181.4(IHH):c.991C>T (p.Pro331Ser)

Gene: IHH (Indian hedgehog signaling molecule; minus strand). Cytogenetic location: 2q35.
Variant type: single nucleotide variant.
Coding change: c.991C>T on transcript NM_002181.4 (MANE Select); coding-DNA position 991, C replaced by T.
Protein change: p.Pro331Ser; replaces proline 331 with serine.
Molecular consequence: missense variant.
Genome position (GRCh38, 1-based): chr2:219,055,452, G>A on the plus strand (C>T on the coding strand, the complement: IHH is on the minus strand). VCF-style: chr2-219055452-G-A. GRCh37 (hg19) VCF-style: chr2-219920174-G-A.
Other names: short protein forms P331S.
Identifiers: ClinVar variation 4990883 (VCV004990883.1).

ClinVar aggregate classification (germline): Uncertain significance (1 of 4 stars; one submission).

Conditions:
IHH-related disorder. Also called: IHH-related condition.

Submission:

PreventionGenetics, part of Exact Sciences
Classification: Uncertain significance for IHH-related condition. Last evaluated: 2025-10-23. Review status: criteria provided, single submitter. Criteria: ACMG Guidelines, 2015. Collection method: clinical testing. Allele origin: germline.
Comment: The IHH c.991C>T variant is predicted to result in the amino acid substitution p.Pro331Ser. To our knowledge, this variant has not been reported in the literature or in a large population database (gnomAD), indicating this variant is rare. At this time, the clinical significance of this variant is uncertain due to the absence of conclusive functional and genetic evidence.